The following is an entry in ClinVar:

ClinVar aggregate classification (germline): Likely benign. Review status: criteria provided, multiple submitters, no conflicts (2 of 4 stars). 5 submissions from 5 submitters: Likely benign (5). Last evaluated 2025-03-31.

Conditions:
Inborn genetic diseases. Identifiers: MedGen C0950123, MeSH D030342.

Allele frequency attached by ClinVar (database versions not stated): gnomAD 0.00002 and 0.00001; ExAC 0.00003; TOPMed 0.00002; gnomAD exomes 0.00003.
gnomAD v4.1: 34 of 1,613,602 alleles (0.0021%); highest among the groups gnomAD compares: South Asian, 0.025%; no homozygotes.

Submissions (5):

Quest Diagnostics Nichols Institute San Juan Capistrano
Classification: Likely benign. Last evaluated: 2025-03-31. Review status: criteria provided, single submitter. Criteria: Quest Diagnostics criteria. Collection method: clinical testing. Allele origin: unknown.

Ambry Genetics
Classification: Likely benign for Inborn genetic diseases. Last evaluated: 2024-12-03. Review status: criteria provided, single submitter. Criteria: Ambry Variant Classification Scheme 2023. Collection method: clinical testing. Allele origin: germline.

Labcorp Genetics (formerly Invitae), Labcorp
Classification: Likely benign. Last evaluated: 2024-02-17. Review status: criteria provided, single submitter. Criteria: Invitae Variant Classification Sherloc (09022015). Collection method: clinical testing. Allele origin: germline.

Blueprint Genetics
Classification: Likely benign. Last evaluated: 2022-02-23. Review status: criteria provided, single submitter. Criteria: ACMG Guidelines, 2015. Collection method: clinical testing. Allele origin: germline.

Women's Health and Genetics/Laboratory Corporation of America, LabCorp
Classification: Likely benign. Last evaluated: 2018-06-05. Review status: criteria provided, single submitter. Criteria: LabCorp Variant Classification Summary - May 2015. Collection method: clinical testing. Allele origin: germline.
Comment: Variant summary: HBB c.45G>A alters a non-conserved nucleotide resulting in a synonymous change. HBB c.45G>A results in a synonymous change. 5/5 computational tools predict no significant impact on normal splicing. However, these predictions have yet to be confirmed by functional studies. The variant allele was found at a frequency of 3.3e-05 in 245982 control chromosomes. The available data on variant occurrences in the general population are insufficient to allow any conclusion about variant significance. c.45G>A has been reported in the literature in individuals affected with Hemoglobinopathy and has been reported in 12 individuals with low MCV and MCH values in cis with Hb Sheffield (i.e., p.Pro59His). In all of these individuals, their low MCV and MCH values were explained by an alpha gene deletion (Zadjali_2011), suggesting the variant was likely not the cause of disease. To our knowledge, no experimental evidence demonstrating an impact on protein function has been reported. One clinical diagnostic laboratory has submitted clinical-significance assessments for this variant to ClinVar after 2014 without evidence for independent evaluation. One laboratory classified the variant as uncertain significance. Based on the evidence outlined above, the variant was classified as likely benign.

Literature cited by the submitters: PubMed 21417567 (cited by Quest Diagnostics Nichols Institute San Juan Capistrano and Women's Health and Genetics/Laboratory Corporation of America, LabCorp); PubMed 12752111 (cited by Quest Diagnostics Nichols Institute San Juan Capistrano and Women's Health and Genetics/Laboratory Corporation of America, LabCorp); PubMed 10360511 (cited by Quest Diagnostics Nichols Institute San Juan Capistrano and Women's Health and Genetics/Laboratory Corporation of America, LabCorp).

NM_000518.5(HBB):c.45G>A (p.Leu15=)

Genes: HBB (hemoglobin subunit beta; minus strand), LOC106099062 (HBB recombination region; plus strand), LOC107133510 (origin of replication at HBB; plus strand). Cytogenetic location: 11p15.4.
Variant type: single nucleotide variant.
Coding change: c.45G>A on transcript NM_000518.5 (MANE Select); coding-DNA position 45, G replaced by A.
Protein change: p.Leu15=; no amino-acid change (leucine 15 retained).
Molecular consequence: synonymous variant.
Genome position (GRCh38, 1-based): chr11:5,226,977, C>T on the plus strand (G>A on the coding strand, the complement: HBB is on the minus strand). VCF-style: chr11-5226977-C-T. GRCh37 (hg19) VCF-style: chr11-5248207-C-T.
Other names: CD-15; p.Trp15Ter.
Identifiers: ClinVar variation 440467 (VCV000440467.18), dbSNP rs762782573, ClinGen allele CA5839816.
Genomic context (GRCh38, chr11:5,226,977, plus strand): 5'-CCTTGATACCAACCTGCCCAGGGCCTCACCACCAACTTCATCCACGTTCACCTTGCCCCA[C>T]AGGGCAGTAACGGCAGACTTCTCCTCAGGAGTCAGATGCACCATGGTGTCTGTTTGAGGT-3'
Protein context (NP_000509.1, residues 5-25): TPEEKSAVTA[Leu15=]WGKVNVDEVG